The following is an entry in ClinVar:

NM_015331.3(NCSTN):c.21C>G (p.Gly7=)

Gene: NCSTN (nicastrin; plus strand). Cytogenetic location: 1q23.2.
Variant type: single nucleotide variant.
Coding change: c.21C>G on transcript NM_015331.3 (MANE Select); coding-DNA position 21, C replaced by G.
Protein change: p.Gly7=; no amino-acid change (glycine 7 retained).
Molecular consequence: synonymous variant. On other transcripts: 5 prime UTR variant (1).
Genome position (GRCh38, 1-based): chr1:160,343,417, C>G. VCF-style: chr1-160343417-C-G. GRCh37 (hg19) VCF-style: chr1-160313207-C-G.
Other names: c.-179C>G (NM_001290184.2); c.21C>G, p.Gly7= (NM_001290186.2, NM_001349729.2).
Identifiers: ClinVar variation 1974018 (VCV001974018.5), dbSNP rs1415017171, ClinGen allele CA421363103.

ClinVar aggregate classification (germline): Uncertain significance (1 of 4 stars; one submission).

gnomAD v4.1: 1 of 1,612,852 alleles (0.000062%); highest among the groups gnomAD compares: Non-Finnish European, 0.000085%; no homozygotes.

Submission:

Labcorp Genetics (formerly Invitae), Labcorp
Classification: Uncertain significance. Last evaluated: 2022-09-22. Review status: criteria provided, single submitter. Criteria: Invitae Variant Classification Sherloc (09022015). Collection method: clinical testing. Allele origin: germline.
Comment: This variant has not been reported in the literature in individuals affected with NCSTN-related conditions. In summary, the available evidence is currently insufficient to determine the role of this variant in disease. Therefore, it has been classified as a Variant of Uncertain Significance. Algorithms developed to predict the effect of sequence changes on RNA splicing suggest that this variant may create or strengthen a splice site. This variant is not present in population databases (gnomAD no frequency). This sequence change affects codon 7 of the NCSTN mRNA. It is a 'silent' change, meaning that it does not change the encoded amino acid sequence of the NCSTN protein.